The following is an entry in ClinVar:

NM_173543.3(DZIP1L):c.621G>C (p.Glu207Asp)

Gene: DZIP1L (DAZ interacting zinc finger protein 1 like; minus strand). Cytogenetic location: 3q22.3.
Variant type: single nucleotide variant.
Coding change: c.621G>C on transcript NM_173543.3 (MANE Select); coding-DNA position 621, G replaced by C.
Protein change: p.Glu207Asp; replaces glutamic acid 207 with aspartic acid.
Molecular consequence: missense variant.
Genome position (GRCh38, 1-based): chr3:138,094,949, C>G on the plus strand (G>C on the coding strand, the complement: DZIP1L is on the minus strand). VCF-style: chr3-138094949-C-G. GRCh37 (hg19) VCF-style: chr3-137813791-C-G.
Other names: c.621G>C, p.Glu207Asp (NM_001170538.1); short protein forms E207D.
Identifiers: ClinVar variation 1801213 (VCV001801213.2), dbSNP rs546174985, ClinGen allele CA2635202.

ClinVar aggregate classification (germline): Uncertain significance (1 of 4 stars; one submission).

Allele frequency attached by ClinVar (database versions not stated): TOPMed 0.00002; gnomAD 0.00001; ExAC 0.00002; gnomAD exomes 0.00001.
gnomAD v4.1: 20 of 1,614,170 alleles (0.0012%); highest among the groups gnomAD compares: Non-Finnish European, 0.0016%; no homozygotes.

Submission:

GeneDx
Classification: Uncertain significance. Last evaluated: 2024-06-12. Review status: criteria provided, single submitter. Criteria: GeneDx Variant Classification Process June 2021. Collection method: clinical testing. Allele origin: germline.
Comment: In silico analysis indicates that this missense variant does not alter protein structure/function; Has not been previously published as pathogenic or benign to our knowledge